The following is an entry in ClinVar:

NM_000384.3(APOB):c.11060_11061delinsAA (p.Phe3687Ter)

Gene: APOB (apolipoprotein B; minus strand). Cytogenetic location: 2p24.1.
Variant type: Indel.
Coding change: c.11060_11061delinsAA on transcript NM_000384.3 (MANE Select); coding-DNA positions 11060 to 11061, TC replaced by AA.
Protein change: p.Phe3687Ter; replaces phenylalanine 3687 with a stop codon.
Molecular consequence: nonsense.
Genome position (GRCh38, 1-based): chr2:21,005,807-21,005,808, GA replaced by TT on the plus strand (TC replaced by AA on the coding strand, the reverse complement: APOB is on the minus strand). VCF-style: chr2-21005807-GA-TT. GRCh37 (hg19) VCF-style: chr2-21228679-GA-TT.
Other names: short protein forms F3687*.
Identifiers: ClinVar variation 939237 (VCV000939237.10), dbSNP rs1663117641, ClinGen allele CA1139655592.
Genomic context (GRCh38, chr2:21,005,807, plus strand): 5'-GGCAGTTGAAACACGAAGATGCTGTCTCCTACCAATGCTGGTGGTTACATCCAGCTTTAG[GA>TT]AATCCCATAAGCTCTTGTCATAGACTGGTAGGATGATATTTTTGAGGAACCTTAGGTGTC-3'

ClinVar aggregate classification (germline): Pathogenic (1 of 4 stars; one submission).

Conditions:
Familial hypobetalipoproteinemia 1. Also called: Hypobetalipoproteinemia, normotriglyceridemic; Acanthocytosis with hypobetalipoproteinemia; APOB-Related Familial Hypobetalipoproteinemia. Identifiers: MedGen C4551990, MONDO:0014252, OMIM 615558.
Hypercholesterolemia, autosomal dominant, type B (FHCL2). Also called: Familial Hypercholesterolemia Type B; HYPERCHOLESTEROLEMIA, FAMILIAL, DUE TO LIGAND-DEFECTIVE APOLIPOPROTEIN B; Familial hypercholesterolemia 2; APOB-Related Familial Hypercholesterolemia, Autosomal Dominant; APOLIPOPROTEIN B-100, FAMILIAL DEFECTIVE; APOLIPOPROTEIN B-100, FAMILIAL LIGAND-DEFECTIVE. Identifiers: MedGen C1704417, MONDO:0007751, OMIM 144010.

Submission:

Labcorp Genetics (formerly Invitae), Labcorp
Classification: Pathogenic for Familial hypobetalipoproteinemia 1; Hypercholesterolemia, autosomal dominant, type B. Last evaluated: 2023-08-11. Review status: criteria provided, single submitter. Criteria: Invitae Variant Classification Sherloc (09022015). Collection method: clinical testing. Allele origin: germline.
Comment: This sequence change creates a premature translational stop signal (p.Phe3687*) in the APOB gene. It is expected to result in an absent or disrupted protein product. Loss-of-function variants in APOB are known to be pathogenic (PMID: 20032471). Information on the frequency of this variant in the gnomAD database is not available, as this variant may be reported differently in the database. This variant has not been reported in the literature in individuals affected with APOB-related conditions. ClinVar contains an entry for this variant (Variation ID: 939237). For these reasons, this variant has been classified as Pathogenic.

Literature cited by the submitters: PubMed 20032471.